The following is an entry in ClinVar:

NM_000540.3(RYR1):c.15022-7A>G

Gene: RYR1 (ryanodine receptor 1; plus strand). Cytogenetic location: 19q13.2.
Variant type: single nucleotide variant.
Coding change: c.15022-7A>G on transcript NM_000540.3 (MANE Select); 7 bases into the intron before coding-DNA position 15022, A replaced by G.
Molecular consequence: intron variant.
Genome position (GRCh38, 1-based): chr19:38,587,318, A>G. VCF-style: chr19-38587318-A-G. GRCh37 (hg19) VCF-style: chr19-39077958-A-G.
Other names: c.15007-7A>G (NM_001042723.2).
Identifiers: ClinVar variation 1482436 (VCV001482436.8), dbSNP rs1281576269, ClinGen allele CA632878467.

ClinVar aggregate classification (germline): Uncertain significance (1 of 4 stars; one submission).

Conditions:
RYR1-related disorder. Also called: RYR1-related condition; RYR1-related disorders. Identifiers: MedGen CN239331.

Allele frequency attached by ClinVar (database versions not stated): gnomAD exomes below 0.00001.
gnomAD v4.1: 3 of 1,601,942 alleles (0.00019%); highest among the groups gnomAD compares: South Asian, 0.0011%; no homozygotes.

Submission:

Labcorp Genetics (formerly Invitae), Labcorp
Classification: Uncertain significance for RYR1-related disorder. Last evaluated: 2021-01-16. Review status: criteria provided, single submitter. Criteria: Invitae Variant Classification Sherloc (09022015). Collection method: clinical testing. Allele origin: germline.
Comment: In summary, the available evidence is currently insufficient to determine the role of this variant in disease. Therefore, it has been classified as a Variant of Uncertain Significance. Algorithms developed to predict the effect of sequence changes on RNA splicing suggest that this variant may disrupt the consensus splice site, but this prediction has not been confirmed by published transcriptional studies. This variant has not been reported in the literature in individuals with RYR1-related conditions. This variant is not present in population databases (ExAC no frequency). This sequence change falls in intron 105 of the RYR1 gene. It does not directly change the encoded amino acid sequence of the RYR1 protein.